The following is an entry in ClinVar:

NM_001267550.2(TTN):c.25453A>G (p.Ile8485Val)

Gene: TTN (titin; minus strand). Cytogenetic location: 2q31.2.
Variant type: single nucleotide variant.
Coding change: c.25453A>G on transcript NM_001267550.2 (MANE Select); coding-DNA position 25453, A replaced by G.
Protein change: p.Ile8485Val; replaces isoleucine 8485 with valine.
Molecular consequence: missense variant. On other transcripts: intron variant (3).
Genome position (GRCh38, 1-based): chr2:178,717,281, T>C on the plus strand (A>G on the coding strand, the complement: TTN is on the minus strand). VCF-style: chr2-178717281-T-C. GRCh37 (hg19) VCF-style: chr2-179582008-T-C.
Other names: c.24502A>G, p.Ile8168Val (NM_001256850.1); c.21721A>G, p.Ile7241Val (NM_133378.4); c.13282+20801A>G (NM_003319.4); c.13858+20801A>G (NM_133437.4); c.13657+20801A>G (NM_133432.3); c.25453A>G (NM_001267550.1); short protein forms I7241V, I8485V, I8168V.
Identifiers: ClinVar variation 561139 (VCV000561139.5), dbSNP rs1560628327, ClinGen allele CA349485149.

ClinVar aggregate classification (germline): Uncertain significance. Review status: criteria provided, multiple submitters, no conflicts (2 of 4 stars). 4 submissions from 4 submitters: Uncertain significance (4). Last evaluated 2026-02-27.

Conditions:
Autosomal recessive limb-girdle muscular dystrophy type 2J (LGMDR10). Also called: Limb-girdle muscular dystrophy, type 2J; MUSCULAR DYSTROPHY, LIMB-GIRDLE, AUTOSOMAL RECESSIVE 10. Identifiers: Orphanet 140922, MedGen C1837342, MONDO:0012127, OMIM 608807.
Early-onset myopathy with fatal cardiomyopathy (CMYO5). Also called: CONGENITAL MYOPATHY 5 WITH CARDIOMYOPATHY; Salih Myopathy. Identifiers: Orphanet 289377, MedGen C2673677, MONDO:0012714, OMIM 611705. Disease mechanism: loss of function.
Dilated cardiomyopathy 1G (CMD1G). Identifiers: Orphanet 154, MedGen C1858763, MONDO:0011400, OMIM 604145.
Myopathy, myofibrillar, 9, with early respiratory failure (MFM9). Also called: Hereditary myopathy with early respiratory failure; EDSTROM MYOPATHY; MYOPATHY, PROXIMAL, WITH EARLY RESPIRATORY MUSCLE INVOLVEMENT; Myopathy, distal, with early respiratory failure, autosomal dominant. Identifiers: Orphanet 178464, Orphanet 34521, MedGen C1863599, MONDO:0011362, OMIM 603689.
Hypertrophic cardiomyopathy 9. Also called: Familial hypertrophic cardiomyopathy 9. Identifiers: MedGen C1861065, MONDO:0013412, OMIM 613765.
Tibial muscular dystrophy (TMD). Also called: UDD MYOPATHY; Tibial muscular dystrophy, tardive; Udd Distal Myopathy – Tibial Muscular Dystrophy. Identifiers: Orphanet 609, MedGen C1838244, MONDO:0010870, OMIM 600334.

Allele frequency attached by ClinVar (database versions not stated): TOPMed below 0.00001; gnomAD 0.00001.
gnomAD v4.1: 13 of 1,613,594 alleles (0.00081%); highest among the groups gnomAD compares: Non-Finnish European, 0.0011%; no homozygotes.

Submissions (4):

GeneDx
Classification: Uncertain significance. Last evaluated: 2026-02-27. Review status: criteria provided, single submitter. Criteria: GeneDx Variant Classification Process June 2021. Collection method: clinical testing. Allele origin: germline.
Comment: Not observed at significant frequency in large population cohorts (gnomAD); Missense variant in a gene in which most reported pathogenic variants are truncating/loss of function; Has not been previously published as pathogenic or benign to our knowledge

Blueprint Genetics
Classification: Uncertain significance. Last evaluated: 2024-05-17. Review status: criteria provided, single submitter. Criteria: ACMG Guidelines, 2015. Collection method: clinical testing. Allele origin: germline.

Fulgent Genetics
Classification: Uncertain significance for Tibial muscular dystrophy; Myopathy, myofibrillar, 9, with early respiratory failure; Dilated cardiomyopathy 1G; Autosomal recessive limb-girdle muscular dystrophy type 2J; Early-onset myopathy with fatal cardiomyopathy; Hypertrophic cardiomyopathy 9. Last evaluated: 2021-09-20. Review status: criteria provided, single submitter. Criteria: ACMG Guidelines, 2015. Collection method: clinical testing. Allele origin: unknown.

Baylor Genetics
Classification: Uncertain significance for Myopathy, myofibrillar, 9, with early respiratory failure; Hypertrophic cardiomyopathy 9; Dilated cardiomyopathy 1G; Tibial muscular dystrophy; Autosomal recessive limb-girdle muscular dystrophy type 2J; Early-onset myopathy with fatal cardiomyopathy. Last evaluated: 2017-09-01. Review status: criteria provided, single submitter. Criteria: ACMG Guidelines, 2015. Collection method: clinical testing. Allele origin: germline. Inheritance: Autosomal unknown.

Literature cited by the submitters: PubMed 25326635 (cited by Baylor Genetics).